The following is an entry in ClinVar:

NM_006949.4(STXBP2):c.1073A>G (p.Lys358Arg)

Gene: STXBP2 (syntaxin binding protein 2; plus strand). Cytogenetic location: 19p13.2.
Variant type: single nucleotide variant.
Coding change: c.1073A>G on transcript NM_006949.4 (MANE Select); coding-DNA position 1073, A replaced by G.
Protein change: p.Lys358Arg; replaces lysine 358 with arginine.
Molecular consequence: missense variant.
Genome position (GRCh38, 1-based): chr19:7,643,211, A>G. VCF-style: chr19-7643211-A-G. GRCh37 (hg19) VCF-style: chr19-7708097-A-G.
Other names: c.1064A>G, p.Lys355Arg (NM_001127396.3); c.1106A>G, p.Lys369Arg (NM_001272034.2); c.977A>G, p.Lys326Arg (NM_001414484.1); short protein forms K355R, K358R, K326R, K369R.
Identifiers: ClinVar variation 2170078 (VCV002170078.1), dbSNP rs757736045, ClinGen allele CA9143959.

ClinVar aggregate classification (germline): Uncertain significance (1 of 4 stars; one submission).

Conditions:
Familial hemophagocytic lymphohistiocytosis 5. Also called: STXBP2-Related Familial Hemophagocytic Lymphohistiocytosis (STXBP2-fHLH). Identifiers: Orphanet 540, MedGen C2751293, MONDO:0013135, OMIM 613101.

Allele frequency attached by ClinVar (database versions not stated): TOPMed 0.00001; gnomAD 0.00003; gnomAD exomes 0.00004; ExAC 0.00007.
gnomAD v4.1: 65 of 1,613,792 alleles (0.004%); highest among the groups gnomAD compares: South Asian, 0.047%; no homozygotes.

Submission:

Labcorp Genetics (formerly Invitae), Labcorp
Classification: Uncertain significance for Familial hemophagocytic lymphohistiocytosis 5. Last evaluated: 2022-08-05. Review status: criteria provided, single submitter. Criteria: Invitae Variant Classification Sherloc (09022015). Collection method: clinical testing. Allele origin: germline.
Comment: This sequence change replaces lysine, which is basic and polar, with arginine, which is basic and polar, at codon 358 of the STXBP2 protein (p.Lys358Arg). This variant is present in population databases (rs757736045, gnomAD 0.05%). This variant has not been reported in the literature in individuals affected with STXBP2-related conditions. Algorithms developed to predict the effect of missense changes on protein structure and function (SIFT, PolyPhen-2, Align-GVGD) all suggest that this variant is likely to be tolerated. In summary, the available evidence is currently insufficient to determine the role of this variant in disease. Therefore, it has been classified as a Variant of Uncertain Significance.